The following is an entry in ClinVar:

NC_000021.8:g.(?_47831936)_(47864564_?)del

Gene: PCNT (pericentrin; plus strand). Cytogenetic location: 21q22.3.
Variant type: Deletion.
Identifiers: ClinVar variation 3248199 (VCV003248199.1).

ClinVar aggregate classification (germline): Likely pathogenic (1 of 4 stars; one submission).

Submission:

Labcorp Genetics (formerly Invitae), Labcorp
Classification: Likely pathogenic. Last evaluated: 2023-08-31. Review status: criteria provided, single submitter. Criteria: Invitae Variant Classification Sherloc (09022015). Collection method: clinical testing. Allele origin: unknown.
Comment: In summary, the currently available evidence indicates that the variant is pathogenic, but additional data are needed to prove that conclusively. Therefore, this variant has been classified as Likely Pathogenic. This variant has not been reported in the literature in individuals affected with PCNT-related conditions. This variant results in the deletion of exons 29-45 and part of exon 28 (c.5949_9840-43delins61) of the PCNT gene. It is expected to disrupt RNA splicing. Variants that disrupt the donor or acceptor splice site typically lead to a loss of protein function (PMID: 16199547), and loss-of-function variants in PCNT are known to be pathogenic (PMID: 18174396, 22821869).

Literature cited by the submitters: PubMed 16199547; PubMed 18174396; PubMed 22821869.